The following is an entry in ClinVar:

ClinVar aggregate classification (germline): Pathogenic. Review status: criteria provided, multiple submitters, no conflicts (2 of 4 stars). 2 submissions from 2 submitters: Pathogenic (2). Last evaluated 2024-05-10.

Conditions:
Severe X-linked myotubular myopathy (CNMX). Also called: MYOTUBULAR MYOPATHY 1; X-linked centronuclear myopathy; Myotubular myopathy, X-linked. Identifiers: Orphanet 596, MedGen C0410203, MONDO:0010683, OMIM 310400.

Submissions (2):

Labcorp Genetics (formerly Invitae), Labcorp
Classification: Pathogenic for Severe X-linked myotubular myopathy. Last evaluated: 2024-05-10. Review status: criteria provided, single submitter. Criteria: Invitae Variant Classification Sherloc (09022015). Collection method: clinical testing. Allele origin: germline.
Comment: This sequence change creates a premature translational stop signal (p.Glu17*) in the MTM1 gene. It is expected to result in an absent or disrupted protein product. Loss-of-function variants in MTM1 are known to be pathogenic (PMID: 9305655, 10063835). This variant is not present in population databases (gnomAD no frequency). This premature translational stop signal has been observed in individual(s) with X-linked myotubular myopathy (PMID: 9305655). ClinVar contains an entry for this variant (Variation ID: 265397). For these reasons, this variant has been classified as Pathogenic.

GeneDx
Classification: Pathogenic. Last evaluated: 2016-02-18. Review status: criteria provided, single submitter. Criteria: GeneDx Variant Classification (06012015). Collection method: clinical testing. Allele origin: germline. Affected: yes.
Comment: The E17X pathogenic variant in the MTM1 gene has been reported previously in association with myotubular myopathy (Laporte et al., 1997; Biancalana et al., 2003). This variant is predicted to cause loss of normal protein function either through protein truncation or nonsense-mediated mRNA decay. The E17X variant was not observed in approximately 6,500 individuals of European and African American ancestry in the NHLBI Exome Sequencing Project, indicating it is not a common benign variant in these populations. We interpret E17X as a pathogenic variant.

Literature cited by the submitters: PubMed 9305655 (cited by Labcorp Genetics (formerly Invitae), Labcorp); PubMed 10063835 (cited by Labcorp Genetics (formerly Invitae), Labcorp).

NM_000252.3(MTM1):c.49G>T (p.Glu17Ter)

Gene: MTM1 (myotubularin 1; plus strand). Cytogenetic location: Xq28.
Variant type: single nucleotide variant.
Coding change: c.49G>T on transcript NM_000252.3 (MANE Select); coding-DNA position 49, G replaced by T.
Protein change: p.Glu17Ter; replaces glutamic acid 17 with a stop codon.
Molecular consequence: nonsense.
Genome position (GRCh38, 1-based): chrX:150,592,663, G>T. VCF-style: chrX-150592663-G-T. GRCh37 (hg19) VCF-style: chrX-149761125-G-T.
Other names: c.49G>T, p.Glu17Ter (NM_001376906.1, NM_001376907.1, NM_001376908.1); short protein forms E17*.
Identifiers: ClinVar variation 265397 (VCV000265397.4), dbSNP rs886039522, ClinGen allele CA10588745.
Genomic context (GRCh38, chrX:150,592,663, plus strand): 5'-AGAGTTTCCAGGATGGCTTCTGCATCAACTTCTAAATATAATTCACACTCCTTGGAGAAT[G>T]AGTCTATTAAGAGGGTAAGTTGAATTTTCAGATTTATCTGTCTCTTTCCTTGCATTTATT-3'